The following is an entry in ClinVar:

NM_004655.4(AXIN2):c.5G>A (p.Ser2Asn)

Gene: AXIN2 (axin 2; minus strand). Cytogenetic location: 17q24.1.
Variant type: single nucleotide variant.
Coding change: c.5G>A on transcript NM_004655.4 (MANE Select); coding-DNA position 5, G replaced by A.
Protein change: p.Ser2Asn; replaces serine 2 with asparagine.
Molecular consequence: missense variant.
Genome position (GRCh38, 1-based): chr17:65,558,616, C>T on the plus strand (G>A on the coding strand, the complement: AXIN2 is on the minus strand). VCF-style: chr17-65558616-C-T. GRCh37 (hg19) VCF-style: chr17-63554734-C-T.
Other names: c.5G>A, p.Ser2Asn (NM_001363813.1); short protein forms S2N.
Identifiers: ClinVar variation 1750997 (VCV001750997.7), dbSNP rs2544256563, ClinGen allele CA400682515.
Genomic context (GRCh38, chr17:65,558,616, plus strand): 5'-GGGGCATCCTCACGGAAGCTGCTGCTGGGGTCCGGGAGGCAAGTCACCAACATAGCGCTA[C>T]TCATGGTGAGGGAGCTCTTCCCACTGAGTCTGGGAATTTTTCTTCTTCCAGTTCCTCTCA-3'
Protein context (NP_004646.3, residues 1-12): M[Ser2Asn]SAMLVTCLPD

ClinVar aggregate classification (germline): Uncertain significance. Review status: criteria provided, multiple submitters, no conflicts (2 of 4 stars). 2 submissions from 2 submitters: Uncertain significance (2). Last evaluated 2024-01-25.

Conditions:
Hereditary cancer-predisposing syndrome. Also called: Hereditary Cancer Syndrome; Hereditary neoplastic syndrome; Neoplastic Syndromes, Hereditary; Tumor predisposition. Identifiers: Orphanet 140162, MedGen C0027672, MeSH D009386, MONDO:0015356.
Oligodontia-cancer predisposition syndrome. Also called: TOOTH AGENESIS-COLORECTAL CANCER SYNDROME. Identifiers: Orphanet 300576, MedGen C1837750, MONDO:0012075, OMIM 608615. Disease mechanism: loss of function.

Submissions (2):

Ambry Genetics
Classification: Uncertain significance for Hereditary cancer-predisposing syndrome. Last evaluated: 2024-01-25. Review status: criteria provided, single submitter. Criteria: Ambry Variant Classification Scheme 2023. Collection method: clinical testing. Allele origin: germline.
Comment: The p.S2N variant (also known as c.5G>A), located in coding exon 1 of the AXIN2 gene, results from a G to A substitution at nucleotide position 5. The serine at codon 2 is replaced by asparagine, an amino acid with highly similar properties. This amino acid position is highly conserved in available vertebrate species. In addition, this alteration is predicted to be tolerated by in silico analysis. Based on the available evidence, the clinical significance of this alteration remains unclear.

Labcorp Genetics (formerly Invitae), Labcorp
Classification: Uncertain significance for Oligodontia-cancer predisposition syndrome. Last evaluated: 2022-02-20. Review status: criteria provided, single submitter. Criteria: Invitae Variant Classification Sherloc (09022015). Collection method: clinical testing. Allele origin: germline.
Comment: In summary, the available evidence is currently insufficient to determine the role of this variant in disease. Therefore, it has been classified as a Variant of Uncertain Significance. Algorithms developed to predict the effect of missense changes on protein structure and function are either unavailable or do not agree on the potential impact of this missense change (SIFT: "Tolerated"; PolyPhen-2: "Probably Damaging"; Align-GVGD: "Class C0"). This variant has not been reported in the literature in individuals affected with AXIN2-related conditions. This variant is not present in population databases (gnomAD no frequency). This sequence change replaces serine, which is neutral and polar, with asparagine, which is neutral and polar, at codon 2 of the AXIN2 protein (p.Ser2Asn).